The following is an entry in ClinVar:

ClinVar aggregate classification (germline): Uncertain significance (1 of 4 stars; one submission).

Conditions:
Lymphatic malformation 6 (LMPHM6). Also called: GENERALIZED LYMPHATIC DYSPLASIA OF FOTIOU; Lymphedema, hereditary, III; PIEZO1-related generalized lymphatic dysplasia with non-immune hydrops fetalis. Identifiers: Orphanet 568062, MedGen C4225184, MONDO:0014797, OMIM 616843.

gnomAD v4.1: 3 of 1,533,176 alleles (0.0002%); highest among the groups gnomAD compares: Admixed American, 0.002%; no homozygotes.

Submission:

Clinical Genomics Laboratory, Washington University in St. Louis
Classification: Uncertain significance for Lymphatic malformation 6. Last evaluated: 2025-06-18. Review status: criteria provided, single submitter. Criteria: ACMG Guidelines, 2015. Collection method: clinical testing. Allele origin: germline.
Comment: A PIEZO1 c.1261G>T (p.Asp421Tyr) variant was identified at a near heterozygous allelic fraction of 49.7%, a frequency which may be consistent with it being of germline origin. This variant, to our knowledge, has not been reported in the medical literature. This variant is only observed in 3/1,533,176 alleles in the general population (gnomAD v4.1.0), indicating it is not a common variant. Computational predictors suggest that the variant does not impact PIEZO1 function. Due to limited information, and based on ACMG/AMP guidelines for variant interpretation (Richards S et al., PMID: 25741868), the clinical significance of this variant is uncertain at this time.

NM_001142864.4(PIEZO1):c.1261G>T (p.Asp421Tyr)

Genes: HSALR1 (HSP90AB1 associated lncRNA 1; plus strand), PIEZO1 (piezo type mechanosensitive ion channel component 1 (Er blood group); minus strand). Cytogenetic location: 16q24.3.
Variant type: single nucleotide variant.
Coding change: c.1261G>T on transcript NM_001142864.4 (MANE Select); coding-DNA position 1261, G replaced by T.
Protein change: p.Asp421Tyr; replaces aspartic acid 421 with tyrosine.
Molecular consequence: missense variant.
Genome position (GRCh38, 1-based): chr16:88,736,674, C>A on the plus strand (G>T on the coding strand, the complement: PIEZO1 is on the minus strand). VCF-style: chr16-88736674-C-A. GRCh37 (hg19) VCF-style: chr16-88803082-C-A.
Other names: short protein forms D421Y.
Identifiers: ClinVar variation 4279813 (VCV004279813.1).
Genomic context (GRCh38, chr16:88,736,674, plus strand): 5'-CACCCCAACCCCCACAGCCGCCTACCATCATGGCAATGAGCGCGCACACATAGCTCTGGT[C>A]CATGATGAGGTGGCCCAGGCTGTGGAGCGGAGACGCCTCCCTGGGCTCAGCCCGCTTGGG-3'
Protein context (NP_001136336.2, residues 411-431): PLHSLGHLIM[Asp421Tyr]QSYVCALIAM